The following is an entry in ClinVar:

ClinVar aggregate classification (germline): Uncertain significance. Review status: criteria provided, multiple submitters, no conflicts (2 of 4 stars). 2 submissions from 2 submitters: Uncertain significance (2). Last evaluated 2023-10-30.

Conditions:
Long QT syndrome (LQTS). Identifiers: MedGen C0023976, MeSH D008133, MONDO:0002442. Disease mechanism: loss of function. Inheritance: Various modes of inheritance.
Cardiovascular phenotype. Identifiers: MedGen CN230736.

Allele frequency attached by ClinVar (database versions not stated): gnomAD 0.00002; 1000 Genomes Project 0.00020; 1000 Genomes Project 30x 0.00031.
gnomAD v4.1: 4 of 1,613,448 alleles (0.00025%); highest among the groups gnomAD compares: African/African-American, 0.004%; no homozygotes.

Submissions (2):

Labcorp Genetics (formerly Invitae), Labcorp
Classification: Uncertain significance for Long QT syndrome. Last evaluated: 2023-10-30. Review status: criteria provided, single submitter. Criteria: Invitae Variant Classification Sherloc (09022015). Collection method: clinical testing. Allele origin: germline.
Comment: This sequence change replaces threonine, which is neutral and polar, with arginine, which is basic and polar, at codon 1748 of the AKAP9 protein (p.Thr1748Arg). This variant is present in population databases (rs533352983, gnomAD 0.007%). This variant has not been reported in the literature in individuals affected with AKAP9-related conditions. ClinVar contains an entry for this variant (Variation ID: 1746308). An algorithm developed to predict the effect of missense changes on protein structure and function (PolyPhen-2) suggests that this variant is likely to be disruptive. In summary, the available evidence is currently insufficient to determine the role of this variant in disease. Therefore, it has been classified as a Variant of Uncertain Significance.

Ambry Genetics
Classification: Uncertain significance for Cardiovascular phenotype. Last evaluated: 2023-08-11. Review status: criteria provided, single submitter. Criteria: Ambry Variant Classification Scheme 2023. Collection method: clinical testing. Allele origin: germline.
Comment: The p.T1748R variant (also known as c.5243C>G), located in coding exon 21 of the AKAP9 gene, results from a C to G substitution at nucleotide position 5243. The threonine at codon 1748 is replaced by arginine, an amino acid with similar properties. This amino acid position is highly conserved in available vertebrate species. In addition, this alteration is predicted to be tolerated by in silico analysis. Since supporting evidence is limited at this time, the clinical significance of this alteration remains unclear.

NM_005751.5(AKAP9):c.5243C>G (p.Thr1748Arg)

Gene: AKAP9 (A-kinase anchoring protein 9; plus strand). Cytogenetic location: 7q21.2.
Variant type: single nucleotide variant.
Coding change: c.5243C>G on transcript NM_005751.5 (MANE Select); coding-DNA position 5243, C replaced by G.
Protein change: p.Thr1748Arg; replaces threonine 1748 with arginine.
Molecular consequence: missense variant.
Genome position (GRCh38, 1-based): chr7:92,045,088, C>G. VCF-style: chr7-92045088-C-G. GRCh37 (hg19) VCF-style: chr7-91674402-C-G.
Other names: c.5243C>G, p.Thr1748Arg (NM_147185.3); short protein forms T1748R.
Identifiers: ClinVar variation 1746308 (VCV001746308.6), dbSNP rs533352983, ClinGen allele CA4336757.